The following is an entry in ClinVar:

ClinVar aggregate classification (germline): Likely pathogenic (1 of 4 stars; one submission).

Submission:

Genetic Services Laboratory, University of Chicago
Classification: Likely pathogenic. Last evaluated: 2019-07-17. Review status: criteria provided, single submitter. Criteria: ACMG Guidelines, 2015. Collection method: clinical testing. Allele origin: germline. Affected: yes.
Comment: DNA sequence analysis of the ACTC1 gene demonstrated a sequence change, c.344A>G, in exon 3 that results in an amino acid change, p.Lys115Arg. This sequence change does not appear to have been described in the literature in other patients with ACTC1 related cardiomyopathy and it is not present in population databases (ExAC and gnomAD). The p.Lys115Arg change affects a highly conserved amino acid residue located in a domain of the ACTC1 protein that is known to be functional. The p.Lys115Arg substitution appears to be deleterious using several in-silico pathogenicity prediction tools (SIFT, Mutation Taster, Align GVGD, REVEL).

NM_005159.5(ACTC1):c.344A>G (p.Lys115Arg)

Genes: ACTC1 (actin alpha cardiac muscle 1; minus strand), GJD2-DT (GJD2 divergent transcript; plus strand). Cytogenetic location: 15q14.
Variant type: single nucleotide variant.
Coding change: c.344A>G on transcript NM_005159.5 (MANE Select); coding-DNA position 344, A replaced by G.
Protein change: p.Lys115Arg; replaces lysine 115 with arginine.
Molecular consequence: missense variant.
Genome position (GRCh38, 1-based): chr15:34,793,355, T>C on the plus strand (A>G on the coding strand, the complement: ACTC1 is on the minus strand). VCF-style: chr15-34793355-T-C. GRCh37 (hg19) VCF-style: chr15-35085556-T-C.
Other names: short protein forms K115R.
Identifiers: ClinVar variation 1335942 (VCV001335942.4), dbSNP rs2140431879, ClinGen allele CA391631448.